The following is an entry in ClinVar:

ClinVar aggregate classification (germline): Uncertain significance (1 of 4 stars; one submission).

gnomAD v4.1: 1 of 1,606,132 alleles (0.000062%); highest among the groups gnomAD compares: Admixed American, 0.0017%; no homozygotes.

Submission:

Labcorp Genetics (formerly Invitae), Labcorp
Classification: Uncertain significance. Last evaluated: 2024-08-27. Review status: criteria provided, single submitter. Criteria: Invitae Variant Classification Sherloc (09022015). Collection method: clinical testing. Allele origin: germline.
Comment: This sequence change replaces threonine, which is neutral and polar, with alanine, which is neutral and non-polar, at codon 69 of the TNFRSF6B protein (p.Thr69Ala). This variant is present in population databases (rs750068906, gnomAD 0.003%). This variant has not been reported in the literature in individuals affected with TNFRSF6B-related conditions. An algorithm developed to predict the effect of missense changes on protein structure and function outputs the following: PolyPhen-2: "Benign". The alanine amino acid residue is found in multiple mammalian species, which suggests that this missense change does not adversely affect protein function. In summary, the available evidence is currently insufficient to determine the role of this variant in disease. Therefore, it has been classified as a Variant of Uncertain Significance.

NM_003823.4(TNFRSF6B):c.205A>G (p.Thr69Ala)

Genes: RTEL1-TNFRSF6B (RTEL1-TNFRSF6B readthrough (NMD candidate); plus strand), TNFRSF6B (TNF receptor superfamily member 6b; plus strand). Cytogenetic location: 20q13.33.
Variant type: single nucleotide variant.
Coding change: c.205A>G on transcript NM_003823.4 (MANE Select); coding-DNA position 205, A replaced by G.
Protein change: p.Thr69Ala; replaces threonine 69 with alanine.
Molecular consequence: missense variant. On other transcripts: non-coding transcript variant (1).
Genome position (GRCh38, 1-based): chr20:63,696,972, A>G. VCF-style: chr20-63696972-A-G. GRCh37 (hg19) VCF-style: chr20-62328325-A-G.
Other names: short protein forms T69A.
Identifiers: ClinVar variation 3654095 (VCV003654095.2).
Genomic context (GRCh38, chr20:63,696,972, plus strand): 5'-TGCGCCCAGTGCCCCCCAGGCACCTTTGTGCAGCGGCCGTGCCGCCGAGACAGCCCCACG[A>G]CGTGTGGCCCGTGTCCACCGCGCCACTACACGCAGTTCTGGAACTACCTAGAGCGCTGCC-3'
Protein context (NP_003814.1, residues 59-79): QRPCRRDSPT[Thr69Ala]CGPCPPRHYT